The following is an entry in ClinVar:

ClinVar aggregate classification (germline): Likely pathogenic (1 of 4 stars; one submission).

Submissions (2):

Centre of Medical Genetics, University Hospital Muenster
Classification: Likely pathogenic. Last evaluated: 2023-04-18. Review status: criteria provided, single submitter. Criteria: ACMG Guidelines, 2015. Collection method: clinical testing. Allele origin: unknown. Affected: yes. Observed: 1 variant allele, 1 heterozygote.
Comment: ACMG categories: PVS1,PM2

Dr. Peter K. Rogan Lab, Western University
No classification provided (evidence only). Condition: Hepatocellular carcinoma. Review status: no classification provided. Collection method: in vitro. Allele origin: not applicable. Functional consequence: retained intron. Not counted in ClinVar's aggregate classification.

NM_004972.4(JAK2):c.226+1G>T

Genes: INSL6 (insulin like 6; minus strand), JAK2 (Janus kinase 2; plus strand). Cytogenetic location: 9p24.1.
Variant type: single nucleotide variant.
Coding change: c.226+1G>T on transcript NM_004972.4 (MANE Select); the canonical splice donor site of the intron after coding-DNA position 226, G replaced by T.
Molecular consequence: splice donor variant.
Genome position (GRCh38, 1-based): chr9:5,022,214, G>T. VCF-style: chr9-5022214-G-T. GRCh37 (hg19) VCF-style: chr9-5022214-G-T.
Other names: NC_000009.11:g.5022214G>T; c.226+1G>T (NM_001322194.2, NM_001322195.2, NM_001322196.2); c.-895+1G>T (NM_001322198.2, NM_001322199.2).
Identifiers: ClinVar variation 2504150 (VCV002504150.3), dbSNP rs2488857097, ClinGen allele CA372820284.